The following is an entry in ClinVar:

NM_001375524.1(TRRAP):c.10760G>A (p.Arg3587Gln)

Gene: TRRAP (transformation/transcription domain associated protein; plus strand). Cytogenetic location: 7q22.1.
Variant type: single nucleotide variant.
Coding change: c.10760G>A on transcript NM_001375524.1 (MANE Select); coding-DNA position 10760, G replaced by A.
Protein change: p.Arg3587Gln; replaces arginine 3587 with glutamine.
Molecular consequence: missense variant.
Genome position (GRCh38, 1-based): chr7:99,008,383, G>A. VCF-style: chr7-99008383-G-A. GRCh37 (hg19) VCF-style: chr7-98606006-G-A.
Other names: c.10718G>A, p.Arg3573Gln (NM_001244580.2); c.10631G>A, p.Arg3544Gln (NM_003496.4); short protein forms R3544Q, R3587Q, R3573Q.
Identifiers: ClinVar variation 2063739 (VCV002063739.5), dbSNP rs141778269, ClinGen allele CA4362000.

ClinVar aggregate classification (germline): Uncertain significance (1 of 4 stars; one submission).

Allele frequency attached by ClinVar (database versions not stated): ExAC 0.00006; gnomAD 0.00007; ESP Exome Variant Server 0.00023.
gnomAD v4.1: 260 of 1,613,918 alleles (0.016%); highest among the groups gnomAD compares: East Asian, 0.025%; no homozygotes.

Submissions (2):

Labcorp Genetics (formerly Invitae), Labcorp
Classification: Uncertain significance. Last evaluated: 2025-02-09. Review status: criteria provided, single submitter. Criteria: Invitae Variant Classification Sherloc (09022015). Collection method: clinical testing. Allele origin: germline.
Comment: This sequence change replaces arginine, which is basic and polar, with glutamine, which is neutral and polar, at codon 3544 of the TRRAP protein (p.Arg3544Gln). This variant is present in population databases (rs141778269, gnomAD 0.01%). This missense change has been observed in individual(s) with clinical features of TRRAP-related conditions (PMID: 28191889). This variant is also known as c.10718G>A. ClinVar contains an entry for this variant (Variation ID: 2063739). Invitae Evidence Modeling of protein sequence and biophysical properties (such as structural, functional, and spatial information, amino acid conservation, physicochemical variation, residue mobility, and thermodynamic stability) indicates that this missense variant is expected to disrupt TRRAP protein function with a positive predictive value of 80%. In summary, the available evidence is currently insufficient to determine the role of this variant in disease. Therefore, it has been classified as a Variant of Uncertain Significance.

Dr. Peter K. Rogan Lab, Western University
No classification provided (evidence only). Condition: Cervical cancer. Review status: no classification provided. Collection method: in vitro. Allele origin: not applicable. Functional consequence: retained intron. Not counted in ClinVar's aggregate classification.

Literature cited by the submitters: PubMed 28191889 (cited by Labcorp Genetics (formerly Invitae), Labcorp).